The following is an entry in ClinVar:

NM_002821.5(PTK7):c.2235G>C (p.Glu745Asp)

Gene: PTK7 (protein tyrosine kinase 7 (inactive); plus strand). Cytogenetic location: 6p21.1.
Variant type: single nucleotide variant.
Coding change: c.2235G>C on transcript NM_002821.5 (MANE Select); coding-DNA position 2235, G replaced by C.
Protein change: p.Glu745Asp; replaces glutamic acid 745 with aspartic acid.
Molecular consequence: missense variant. On other transcripts: non-coding transcript variant (2).
Genome position (GRCh38, 1-based): chr6:43,143,604, G>C. VCF-style: chr6-43143604-G-C. GRCh37 (hg19) VCF-style: chr6-43111342-G-C.
Other names: c.2259G>C, p.Glu753Asp (NM_001270398.2); c.2115G>C, p.Glu705Asp (NM_152880.4); c.1845G>C, p.Glu615Asp (NM_152881.4); c.2067G>C, p.Glu689Asp (NM_152882.4); short protein forms E615D, E689D, E705D, E745D, E753D.
Identifiers: ClinVar variation 3770439 (VCV003770439.13).

ClinVar aggregate classification (germline): Benign (1 of 4 stars; one submission).

gnomAD v4.1: 29,603 of 1,612,160 alleles (1.8%); highest among the groups gnomAD compares: Non-Finnish European, 2.3%; 342 homozygotes.

Submission:

CeGaT Center for Human Genetics Tuebingen
Classification: Benign. Last evaluated: 2025-01-01. Review status: criteria provided, single submitter. Criteria: CeGaT Center For Human Genetics Tuebingen Variant Classification Criteria Version 2. Collection method: clinical testing. Allele origin: germline. Affected: yes. Observed: 1 variant allele.
Comment: PTK7: BS1, BS2